The following is an entry in ClinVar:

ClinVar aggregate classification (germline): Likely benign. Review status: criteria provided, multiple submitters, no conflicts (2 of 4 stars). 3 submissions from 3 submitters: Likely benign (3). Last evaluated 2026-01-01.

Conditions:
Malignant hyperthermia, susceptibility to, 1 (MHS1). Also called: RYR1-Related Malignant Hyperthermia Susceptibility; Malignant hyperthermia suceptibility 1; Anesthesia related hyperthermia; Malignant hyperpyrexia; Fulminating hyperpyrexia; Pharmacogenic myopathy. Identifiers: Orphanet 423, MedGen C2930980, MONDO:0007783, OMIM 145600.
RYR1-related disorder. Also called: RYR1-related condition; RYR1-related disorders. Identifiers: MedGen CN239331.

Allele frequency attached by ClinVar (database versions not stated): gnomAD 0.00001.

Submissions (3):

CeGaT Center for Human Genetics Tuebingen
Classification: Likely benign. Last evaluated: 2026-01-01. Review status: criteria provided, single submitter. Criteria: CeGaT Center For Human Genetics Tuebingen Variant Classification Criteria Version 2. Collection method: clinical testing. Allele origin: germline. Affected: yes. Observed: 1 variant allele.
Comment: RYR1: BP4, BP7

Color Diagnostics, LLC DBA Color Health
Classification: Likely benign for Malignant hyperthermia, susceptibility to, 1. Last evaluated: 2025-06-03. Review status: criteria provided, single submitter. Criteria: ACMG Guidelines, 2015. Collection method: clinical testing. Allele origin: germline.

Labcorp Genetics (formerly Invitae), Labcorp
Classification: Likely benign for RYR1-related disorder. Last evaluated: 2023-02-05. Review status: criteria provided, single submitter. Criteria: Invitae Variant Classification Sherloc (09022015). Collection method: clinical testing. Allele origin: germline.

NM_000540.3(RYR1):c.6045T>C (p.Gly2015=)

Gene: RYR1 (ryanodine receptor 1; plus strand). Cytogenetic location: 19q13.2.
Variant type: single nucleotide variant.
Coding change: c.6045T>C on transcript NM_000540.3 (MANE Select); coding-DNA position 6045, T replaced by C.
Protein change: p.Gly2015=; no amino-acid change (glycine 2015 retained).
Molecular consequence: synonymous variant.
Genome position (GRCh38, 1-based): chr19:38,490,650, T>C. VCF-style: chr19-38490650-T-C. GRCh37 (hg19) VCF-style: chr19-38981290-T-C.
Other names: c.6045T>C, p.Gly2015= (NM_001042723.2).
Identifiers: ClinVar variation 1668609 (VCV001668609.12), dbSNP rs1389709111, ClinGen allele CA507239940.